The following is an entry in ClinVar:

NM_003801.4(GPAA1):c.953C>T (p.Thr318Ile)

Gene: GPAA1 (glycosylphosphatidylinositol anchor attachment 1; plus strand). Cytogenetic location: 8q24.3.
Variant type: single nucleotide variant.
Coding change: c.953C>T on transcript NM_003801.4 (MANE Select); coding-DNA position 953, C replaced by T.
Protein change: p.Thr318Ile; replaces threonine 318 with isoleucine.
Molecular consequence: missense variant.
Genome position (GRCh38, 1-based): chr8:144,084,552, C>T. VCF-style: chr8-144084552-C-T. GRCh37 (hg19) VCF-style: chr8-145139455-C-T.
Other names: short protein forms T318I.
Identifiers: ClinVar variation 2092421 (VCV002092421.1), dbSNP rs1835963125, ClinGen allele CA372499358.

ClinVar aggregate classification (germline): Uncertain significance (1 of 4 stars; one submission).

Allele frequency attached by ClinVar (database versions not stated): gnomAD exomes below 0.00001; TOPMed below 0.00001.

Submission:

Labcorp Genetics (formerly Invitae), Labcorp
Classification: Uncertain significance. Last evaluated: 2022-03-01. Review status: criteria provided, single submitter. Criteria: Invitae Variant Classification Sherloc (09022015). Collection method: clinical testing. Allele origin: germline.
Comment: This sequence change replaces threonine, which is neutral and polar, with isoleucine, which is neutral and non-polar, at codon 318 of the GPAA1 protein (p.Thr318Ile). This variant is not present in population databases (gnomAD no frequency). This variant has not been reported in the literature in individuals affected with GPAA1-related conditions. Algorithms developed to predict the effect of missense changes on protein structure and function are either unavailable or do not agree on the potential impact of this missense change (SIFT: "Deleterious"; PolyPhen-2: "Probably Damaging"; Align-GVGD: "Class C0"). In summary, the available evidence is currently insufficient to determine the role of this variant in disease. Therefore, it has been classified as a Variant of Uncertain Significance.